The following is an entry in ClinVar:

NM_002303.6(LEPR):c.1813G>T (p.Ala605Ser)

Gene: LEPR (leptin receptor; plus strand). Cytogenetic location: 1p31.3.
Variant type: single nucleotide variant.
Coding change: c.1813G>T on transcript NM_002303.6 (MANE Select); coding-DNA position 1813, G replaced by T.
Protein change: p.Ala605Ser; replaces alanine 605 with serine.
Molecular consequence: missense variant.
Genome position (GRCh38, 1-based): chr1:65,610,007, G>T. VCF-style: chr1-65610007-G-T. GRCh37 (hg19) VCF-style: chr1-66075690-G-T.
Other names: c.1813G>T, p.Ala605Ser (NM_001003679.3, NM_001003680.3, NM_001198687.2 and 2 more transcripts); short protein forms A605S.
Identifiers: ClinVar variation 2084176 (VCV002084176.6), dbSNP rs183714647, ClinGen allele CA894876.

ClinVar aggregate classification (germline): Conflicting classifications of pathogenicity. Review status: criteria provided, conflicting classifications (1 of 4 stars). 3 submissions from 3 submitters: Uncertain significance (2); Likely benign (1). Last evaluated 2025-12-31.

Conditions:
LEPR-related disorder. Also called: LEPR-related condition; LEPR-related disorders.

Allele frequency attached by ClinVar (database versions not stated): gnomAD 0.00003; gnomAD exomes 0.00007; ExAC 0.00016; 1000 Genomes Project 0.00020; 1000 Genomes Project 30x 0.00031.
gnomAD v4.1: 44 of 1,614,214 alleles (0.0027%); highest among the groups gnomAD compares: Admixed American, 0.072%; no homozygotes.

Submissions (3):

PreventionGenetics, part of Exact Sciences
Classification: Uncertain significance for LEPR-related condition. Last evaluated: 2025-12-31. Review status: criteria provided, single submitter. Criteria: ACMG Guidelines, 2015. Collection method: clinical testing. Allele origin: germline.
Comment: The LEPR c.1813G>T variant is predicted to result in the amino acid substitution p.Ala605Ser. This variant has been reported in the heterozygous state in one of 485 individuals with severe obesity and no controls (n=327) (Nordang et al. 2017. PubMed ID: 28377240). However, a second variant in LEPR was not found, and no additional evidence was provided to support pathogenicity. This variant was also observed in another cohort of individuals with obesity; however, in vitro functional studies showed function similar to that of wildtype levels (Supplemental Data Set, Shah et al. 2023. PubMed ID: 36864747). In addition, another variant impacting the p.Ala605 amino acid was observed in a cohort of individuals with obesity (p.Ala605Thr) (Supplemental Data Set, Shah et al. 2023. PubMed ID: 36864747). However, in vitro functional studies regarding other amino acid changes at this position are conflicting, with several indicating function similar to that of wildtype levels (p.Ala605Glu, p.Ala605Gly, p.Ala605Val, p.Ala605Thr), while one demonstrated evidence of loss of function (p.Ala605Pro, Supplemental Data Set, Shah et al. 2023. PubMed ID: 36864747). Although we suspect that the c.1813G>T (p.Ala605Ser) variant may be benign, at this time, the clinical significance of this variant is uncertain due to the absence of conclusive functional and genetic evidence.

Labcorp Genetics (formerly Invitae), Labcorp
Classification: Likely benign. Last evaluated: 2025-11-17. Review status: criteria provided, single submitter. Criteria: Invitae Variant Classification Sherloc (09022015). Collection method: clinical testing. Allele origin: germline.

GeneDx
Classification: Uncertain significance. Last evaluated: 2025-04-24. Review status: criteria provided, single submitter. Criteria: GeneDx Variant Classification Process June 2021. Collection method: clinical testing. Allele origin: germline. Affected: yes.
Comment: Reported in a cohort of individual with morbid obesity, but patient-specific information such as clinical information, zygosity, presence of other variants, and familial segregation was not provided (PMID: 28377240); In silico analysis indicates that this missense variant does not alter protein structure/function; This variant is associated with the following publications: (PMID: 28377240)